The following is an entry in ClinVar:

NM_001330700.2(TOP2B):c.2356A>G (p.Met786Val)

Gene: TOP2B (DNA topoisomerase II beta; minus strand). Cytogenetic location: 3p24.2.
Variant type: single nucleotide variant.
Coding change: c.2356A>G on transcript NM_001330700.2 (MANE Select); coding-DNA position 2356, A replaced by G.
Protein change: p.Met786Val; replaces methionine 786 with valine.
Molecular consequence: missense variant.
Genome position (GRCh38, 1-based): chr3:25,624,436, T>C on the plus strand (A>G on the coding strand, the complement: TOP2B is on the minus strand). VCF-style: chr3-25624436-T-C. GRCh37 (hg19) VCF-style: chr3-25665927-T-C.
Other names: c.2341A>G, p.Met781Val (NM_001068.3); short protein forms M786V, M781V.
Identifiers: ClinVar variation 2812435 (VCV002812435.3), dbSNP rs2470337279, ClinGen allele CA351903208.

ClinVar aggregate classification (germline): Uncertain significance (1 of 4 stars; one submission).

Submission:

Labcorp Genetics (formerly Invitae), Labcorp
Classification: Uncertain significance. Last evaluated: 2023-07-14. Review status: criteria provided, single submitter. Criteria: Invitae Variant Classification Sherloc (09022015). Collection method: clinical testing. Allele origin: germline.
Comment: In summary, the available evidence is currently insufficient to determine the role of this variant in disease. Therefore, it has been classified as a Variant of Uncertain Significance. An algorithm developed to predict the effect of missense changes on protein structure and function (PolyPhen-2) suggests that this variant is likely to be tolerated. This variant has not been reported in the literature in individuals affected with TOP2B-related conditions. This variant is not present in population databases (gnomAD no frequency). This sequence change replaces methionine, which is neutral and non-polar, with valine, which is neutral and non-polar, at codon 781 of the TOP2B protein (p.Met781Val).